The following is an entry in ClinVar:

NM_006940.6(SOX5):c.783A>C (p.Lys261Asn)

Gene: SOX5 (SRY-box transcription factor 5; minus strand). Cytogenetic location: 12p12.1.
Variant type: single nucleotide variant.
Coding change: c.783A>C on transcript NM_006940.6 (MANE Select); coding-DNA position 783, A replaced by C.
Protein change: p.Lys261Asn; replaces lysine 261 with asparagine.
Molecular consequence: missense variant.
Genome position (GRCh38, 1-based): chr12:23,734,711, T>G on the plus strand (A>C on the coding strand, the complement: SOX5 is on the minus strand). VCF-style: chr12-23734711-T-G. GRCh37 (hg19) VCF-style: chr12-23887645-T-G.
Other names: c.744A>C, p.Lys248Asn (NM_001261414.3, NM_152989.5); c.753A>C, p.Lys251Asn (NM_001261415.3); c.678A>C, p.Lys226Asn (NM_001330785.2); short protein forms K226N, K248N, K251N, K261N.
Identifiers: ClinVar variation 1707733 (VCV001707733.2), dbSNP rs2497802775, ClinGen allele CA384320421.
Genomic context (GRCh38, chr12:23,734,711, plus strand): 5'-AATTGTAAGTATATTGAAATTATGATTTCTGACCTGGATCTGTTGCTGGAGCAAATTGAT[T>G]TTGTGTTGTTGCTGTAGAAGCTGCTGCTGCTGTCTTGCAATCTGTGAAGAAATTGCACAT-3'
Protein context (NP_008871.3, residues 251-271): QQQQLLQQQH[Lys261Asn]INLLQQQIQV

ClinVar aggregate classification (germline): Uncertain significance (1 of 4 stars; one submission).

Submission:

GeneDx
Classification: Uncertain significance. Last evaluated: 2022-03-30. Review status: criteria provided, single submitter. Criteria: GeneDx Variant Classification Process June 2021. Collection method: clinical testing. Allele origin: germline. Affected: yes.
Comment: Not observed at significant frequency in large population cohorts (gnomAD); In silico analysis supports that this missense variant has a deleterious effect on protein structure/function; Has not been previously published as pathogenic or benign to our knowledge